The following is an entry in ClinVar:

ClinVar aggregate classification (germline): Uncertain significance. Review status: criteria provided, multiple submitters, no conflicts (2 of 4 stars). 2 submissions from 2 submitters: Uncertain significance (2). Last evaluated 2025-10-02.

Conditions:
Hereditary cancer-predisposing syndrome. Also called: Neoplastic Syndromes, Hereditary; Hereditary neoplastic syndrome; Hereditary Cancer Syndrome; Tumor predisposition. Identifiers: Orphanet 140162, MedGen C0027672, MeSH D009386, MONDO:0015356.

Submissions (2):

Ambry Genetics
Classification: Uncertain significance for Hereditary cancer-predisposing syndrome. Last evaluated: 2025-10-02. Review status: criteria provided, single submitter. Criteria: Ambry Variant Classification Scheme 2023. Collection method: clinical testing. Allele origin: germline.
Comment: The p.D1939E variant (also known as c.5817C>G), located in coding exon 43 of the POLE gene, results from a C to G substitution at nucleotide position 5817. The aspartic acid at codon 1939 is replaced by glutamic acid, an amino acid with highly similar properties. This amino acid position is conserved. In addition, this alteration is predicted to be tolerated by in silico analysis. Based on the available evidence, the clinical significance of this variant remains unclear.

Labcorp Genetics (formerly Invitae), Labcorp
Classification: Uncertain significance. Last evaluated: 2024-12-09. Review status: criteria provided, single submitter. Criteria: Invitae Variant Classification Sherloc (09022015). Collection method: clinical testing. Allele origin: germline.
Comment: This sequence change replaces aspartic acid, which is acidic and polar, with glutamic acid, which is acidic and polar, at codon 1939 of the POLE protein (p.Asp1939Glu). This variant is not present in population databases (gnomAD no frequency). This variant has not been reported in the literature in individuals affected with POLE-related conditions. ClinVar contains an entry for this variant (Variation ID: 2977402). An algorithm developed to predict the effect of missense changes on protein structure and function outputs the following: PolyPhen-2: "Benign". The glutamic acid amino acid residue is found in multiple mammalian species, which suggests that this missense change does not adversely affect protein function. In summary, the available evidence is currently insufficient to determine the role of this variant in disease. Therefore, it has been classified as a Variant of Uncertain Significance.

NM_006231.4(POLE):c.5817C>G (p.Asp1939Glu)

Gene: POLE (DNA polymerase epsilon, catalytic subunit; minus strand). Cytogenetic location: 12q24.33.
Variant type: single nucleotide variant.
Coding change: c.5817C>G on transcript NM_006231.4 (MANE Select); coding-DNA position 5817, C replaced by G.
Protein change: p.Asp1939Glu; replaces aspartic acid 1939 with glutamic acid.
Molecular consequence: missense variant.
Genome position (GRCh38, 1-based): chr12:132,634,373, G>C on the plus strand (C>G on the coding strand, the complement: POLE is on the minus strand). VCF-style: chr12-132634373-G-C. GRCh37 (hg19) VCF-style: chr12-133210959-G-C.
Other names: c.5817C>G (NM_006231.2); short protein forms D1939E.
Identifiers: ClinVar variation 2977402 (VCV002977402.4), dbSNP rs2138475725, ClinGen allele CA387371903.